The following is an entry in ClinVar:

NM_001291303.3(FAT4):c.4232G>A (p.Arg1411Lys)

Gene: FAT4 (FAT atypical cadherin 4; plus strand). Cytogenetic location: 4q28.1.
Variant type: single nucleotide variant.
Coding change: c.4232G>A on transcript NM_001291303.3 (MANE Select); coding-DNA position 4232, G replaced by A.
Protein change: p.Arg1411Lys; replaces arginine 1411 with lysine.
Molecular consequence: missense variant.
Genome position (GRCh38, 1-based): chr4:125,320,643, G>A. VCF-style: chr4-125320643-G-A. GRCh37 (hg19) VCF-style: chr4-126241798-G-A.
Other names: c.4232G>A, p.Arg1411Lys (NM_001291285.3, NM_024582.6); short protein forms R1411K.
Identifiers: ClinVar variation 2013730 (VCV002013730.4), dbSNP rs2125944730, ClinGen allele CA358125961.

ClinVar aggregate classification (germline): Uncertain significance (1 of 4 stars; one submission).

Submission:

Labcorp Genetics (formerly Invitae), Labcorp
Classification: Uncertain significance. Last evaluated: 2022-07-03. Review status: criteria provided, single submitter. Criteria: Invitae Variant Classification Sherloc (09022015). Collection method: clinical testing. Allele origin: germline.
Comment: In summary, the available evidence is currently insufficient to determine the role of this variant in disease. Therefore, it has been classified as a Variant of Uncertain Significance. Advanced modeling of protein sequence and biophysical properties (such as structural, functional, and spatial information, amino acid conservation, physicochemical variation, residue mobility, and thermodynamic stability) performed at Invitae indicates that this missense variant is not expected to disrupt FAT4 protein function. This variant has not been reported in the literature in individuals affected with FAT4-related conditions. This variant is not present in population databases (gnomAD no frequency). This sequence change replaces arginine, which is basic and polar, with lysine, which is basic and polar, at codon 1411 of the FAT4 protein (p.Arg1411Lys).